The following is an entry in ClinVar:

ClinVar aggregate classification (germline): Uncertain significance (1 of 4 stars; one submission).

Conditions:
Pitt-Hopkins syndrome (PTHS). Also called: ENCEPHALOPATHY, SEVERE EPILEPTIC, WITH AUTONOMIC DYSFUNCTION; MENTAL RETARDATION, SYNDROMAL, WITH INTERMITTENT HYPERVENTILATION. Identifiers: Orphanet 2896, MedGen C1970431, MONDO:0012589, OMIM 610954.

Allele frequency attached by ClinVar (database versions not stated): gnomAD exomes below 0.00001; gnomAD 0.00001.
gnomAD v4.1: 2 of 1,614,002 alleles (0.00012%); highest among the groups gnomAD compares: Admixed American, 0.0017%; no homozygotes.

Submission:

Labcorp Genetics (formerly Invitae), Labcorp
Classification: Uncertain significance for Pitt-Hopkins syndrome. Last evaluated: 2021-11-27. Review status: criteria provided, single submitter. Criteria: Invitae Variant Classification Sherloc (09022015). Collection method: clinical testing. Allele origin: germline.
Comment: This sequence change replaces glutamine, which is neutral and polar, with histidine, which is basic and polar, at codon 471 of the TCF4 protein (p.Gln471His). This variant is not present in population databases (gnomAD no frequency). This variant has not been reported in the literature in individuals affected with TCF4-related conditions. Algorithms developed to predict the effect of missense changes on protein structure and function are either unavailable or do not agree on the potential impact of this missense change (SIFT: "Deleterious"; PolyPhen-2: "Probably Damaging"; Align-GVGD: "Class C0"). In summary, the available evidence is currently insufficient to determine the role of this variant in disease. Therefore, it has been classified as a Variant of Uncertain Significance.

NM_001083962.2(TCF4):c.1413G>C (p.Gln471His)

Gene: TCF4 (transcription factor 4; minus strand). Cytogenetic location: 18q21.2.
Variant type: single nucleotide variant.
Coding change: c.1413G>C on transcript NM_001083962.2 (MANE Select); coding-DNA position 1413, G replaced by C.
Protein change: p.Gln471His; replaces glutamine 471 with histidine.
Molecular consequence: missense variant.
Genome position (GRCh38, 1-based): chr18:55,234,621, C>G on the plus strand (G>C on the coding strand, the complement: TCF4 is on the minus strand). VCF-style: chr18-55234621-C-G. GRCh37 (hg19) VCF-style: chr18-52901852-C-G.
Other names: c.1719G>C, p.Gln573His (NM_001243226.3); c.1341G>C, p.Gln447His (NM_001243227.2, NM_001348217.1, NM_001348218.2 and 5 more transcripts); c.1431G>C, p.Gln477His (NM_001243228.2); c.1404G>C, p.Gln468His (NM_001243230.2); c.1287G>C, p.Gln429His (NM_001243231.2, NM_001348211.2); c.1200G>C, p.Gln400His (NM_001243232.1, NM_001306208.1); c.1023G>C, p.Gln341His (NM_001243233.2, NM_001330605.3, NM_001348212.2 and 1 more transcripts); c.933G>C, p.Gln311His (NM_001243234.2, NM_001243235.2, NM_001348216.2 and 1 more transcripts); and 6 more; short protein forms Q310H, Q447H, Q470H, Q471H, Q573H, Q255H, Q311H, Q341H.
Identifiers: ClinVar variation 1390840 (VCV001390840.6), dbSNP rs905111725, ClinGen allele CA300798610.